The following is an entry in ClinVar:

ClinVar aggregate classification (germline): Conflicting classifications of pathogenicity. Review status: criteria provided, conflicting classifications (1 of 4 stars). 2 submissions from 2 submitters: Uncertain significance (1); Likely benign (1). Last evaluated 2024-11-16.

Conditions:
Cardiovascular phenotype. Identifiers: MedGen CN230736.
Long QT syndrome (LQTS). Identifiers: MedGen C0023976, MeSH D008133, MONDO:0002442. Disease mechanism: loss of function. Inheritance: Various modes of inheritance.

gnomAD v4.1: 14 of 1,447,060 alleles (0.00097%); highest among the groups gnomAD compares: South Asian, 0.0013%; no homozygotes.

Submissions (2):

Labcorp Genetics (formerly Invitae), Labcorp
Classification: Uncertain significance for Long QT syndrome. Last evaluated: 2024-11-16. Review status: criteria provided, single submitter. Criteria: Invitae Variant Classification Sherloc (09022015). Collection method: clinical testing. Allele origin: germline.
Comment: This sequence change replaces isoleucine, which is neutral and non-polar, with valine, which is neutral and non-polar, at codon 330 of the AKAP9 protein (p.Ile330Val). The frequency data for this variant in the population databases is considered unreliable, as metrics indicate poor data quality at this position in the gnomAD database. This variant has not been reported in the literature in individuals affected with AKAP9-related conditions. An algorithm developed to predict the effect of missense changes on protein structure and function outputs the following: PolyPhen-2: "Benign". The valine amino acid residue is found in multiple mammalian species, which suggests that this missense change does not adversely affect protein function. In summary, the available evidence is currently insufficient to determine the role of this variant in disease. Therefore, it has been classified as a Variant of Uncertain Significance.

Ambry Genetics
Classification: Likely benign for Cardiovascular phenotype. Last evaluated: 2024-07-05. Review status: criteria provided, single submitter. Criteria: Ambry Variant Classification Scheme 2023. Collection method: clinical testing. Allele origin: germline.

NM_005751.5(AKAP9):c.988A>G (p.Ile330Val)

Gene: AKAP9 (A-kinase anchoring protein 9; plus strand). Cytogenetic location: 7q21.2.
Variant type: single nucleotide variant.
Coding change: c.988A>G on transcript NM_005751.5 (MANE Select); coding-DNA position 988, A replaced by G.
Protein change: p.Ile330Val; replaces isoleucine 330 with valine.
Molecular consequence: missense variant.
Genome position (GRCh38, 1-based): chr7:92,000,905, A>G. VCF-style: chr7-92000905-A-G. GRCh37 (hg19) VCF-style: chr7-91630219-A-G.
Other names: c.988A>G, p.Ile330Val (NM_147185.3); short protein forms I330V.
Identifiers: ClinVar variation 3282229 (VCV003282229.4).
Genomic context (GRCh38, chr7:92,000,905, plus strand): 5'-AAGGAACAAGATAAAAAAGTAGAAAACTCAAATAAAGAAGAAATACAGGAAAAGGAGACA[A>G]TCATTGAAGAATTAAACACAAAAATAATAGAAGAAGAAAAGAAAACTCTTGAGCTAAAGG-3'
Protein context (NP_005742.4, residues 320-340): NKEEIQEKET[Ile330Val]IEELNTKIIE